The following is an entry in ClinVar:

ClinVar aggregate classification (germline): Conflicting classifications of pathogenicity. Review status: criteria provided, conflicting classifications (1 of 4 stars). 4 submissions from 4 submitters: Likely pathogenic (1); Uncertain significance (2). 1 of the submissions does not count toward it. Last evaluated 2024-10-23.

Conditions:
Neuronopathy, distal hereditary motor, autosomal dominant. Also called: Autosomal dominant distal hereditary motor neuropathy. Identifiers: Orphanet 140465, MedGen C5548212, MONDO:0015362.
Charcot-Marie-Tooth disease axonal type 2S. Also called: CHARCOT-MARIE-TOOTH NEUROPATHY, TYPE 2S; CHARCOT-MARIE-TOOTH DISEASE, AXONAL, AUTOSOMAL RECESSIVE, TYPE 2S. Identifiers: Orphanet 443073, MedGen C4015349, MONDO:0014511, OMIM 616155.
Autosomal recessive distal spinal muscular atrophy 1. Also called: NEURONOPATHY, SEVERE INFANTILE AXONAL, WITH RESPIRATORY FAILURE; SEVERE INFANTILE AXONAL NEUROPATHY WITH RESPIRATORY FAILURE; SPINAL MUSCULAR ATROPHY, DIAPHRAGMATIC; Spinal muscular atrophy with respiratory distress 1; HMN VI; NEURONOPATHY, DISTAL HEREDITARY MOTOR, HARDING TYPE VI. Identifiers: Orphanet 98920, MedGen C1858517, MONDO:0011436, OMIM 604320.

Allele frequency attached by ClinVar (database versions not stated): TOPMed below 0.00001; gnomAD 0.00001; ExAC 0.00004.

Submissions (4):

Women's Health and Genetics/Laboratory Corporation of America, LabCorp
Classification: Uncertain significance. Last evaluated: 2024-10-23. Review status: criteria provided, single submitter. Criteria: LabCorp Variant Classification Summary - May 2015. Collection method: clinical testing. Allele origin: germline.
Comment: Variant summary: IGHMBP2 c.1263C>A (p.Ser421Arg) results in a non-conservative amino acid change located in the Helicase superfamily 1/2, ATP-binding domain (IPR014001) of the encoded protein sequence. Five of five in-silico tools predict a damaging effect of the variant on protein function. The frequency data for this variant in gnomAD is considered unreliable, as metrics indicate poor data quality at this position. c.1263C>A has been reported in the literature in individuals affected with Autosomal Recessive Distal Spinal Muscular Atrophy 1 (Breivik_2013. These data indicate that the variant may be associated with disease. To our knowledge, no experimental evidence demonstrating an impact on protein function has been reported. The following publication has been ascertained in the context of this evaluation (PMID: 23929295). ClinVar contains an entry for this variant (Variation ID: 637692). Based on the evidence outlined above, the variant was classified as VUS-possibly pathogenic.

GeneDx
Classification: Likely pathogenic. Last evaluated: 2024-07-09. Review status: criteria provided, single submitter. Criteria: GeneDx Variant Classification Process June 2021. Collection method: clinical testing. Allele origin: germline. Affected: yes.
Comment: Observed with a second IGHMBP2 variant in a patient with SMARD1, but it is not known whether the variants occurred on the same (in cis) or on different (in trans) chromosomes (PMID: 23929295); Not observed at significant frequency in large population cohorts (gnomAD); In silico analysis supports that this missense variant has a deleterious effect on protein structure/function; This variant is associated with the following publications: (PMID: 22965130, 24388491, 25439726, 23929295)

Labcorp Genetics (formerly Invitae), Labcorp
Classification: Uncertain significance for Autosomal recessive distal spinal muscular atrophy 1; Charcot-Marie-Tooth disease axonal type 2S. Last evaluated: 2022-01-07. Review status: criteria provided, single submitter. Criteria: Invitae Variant Classification Sherloc (09022015). Collection method: clinical testing. Allele origin: germline.
Comment: This sequence change replaces serine, which is neutral and polar, with arginine, which is basic and polar, at codon 421 of the IGHMBP2 protein (p.Ser421Arg). The frequency data for this variant in the population databases is considered unreliable, as metrics indicate poor data quality at this position in the gnomAD database. This missense change has been observed in individual(s) with IGHMBP2-related conditions (PMID: 23929295). ClinVar contains an entry for this variant (Variation ID: 637692). Advanced modeling of protein sequence and biophysical properties (such as structural, functional, and spatial information, amino acid conservation, physicochemical variation, residue mobility, and thermodynamic stability) performed at Invitae indicates that this missense variant is expected to disrupt IGHMBP2 protein function. In summary, the available evidence is currently insufficient to determine the role of this variant in disease. Therefore, it has been classified as a Variant of Uncertain Significance.

Inherited Neuropathy Consortium
Classification: Uncertain significance for Autosomal dominant distal hereditary motor neuropathy. Review status: no assertion criteria provided. Collection method: literature only. Allele origin: germline. Affected: yes. Not counted in ClinVar's aggregate classification.

Literature cited by the submitters: PubMed 23929295 (cited by 3 submitters).

NM_002180.3(IGHMBP2):c.1263C>A (p.Ser421Arg)

Gene: IGHMBP2 (immunoglobulin mu DNA binding protein 2; plus strand). Cytogenetic location: 11q13.3.
Variant type: single nucleotide variant.
Coding change: c.1263C>A on transcript NM_002180.3 (MANE Select); coding-DNA position 1263, C replaced by A.
Protein change: p.Ser421Arg; replaces serine 421 with arginine.
Molecular consequence: missense variant.
Genome position (GRCh38, 1-based): chr11:68,933,326, C>A. VCF-style: chr11-68933326-C-A. GRCh37 (hg19) VCF-style: chr11-68700794-C-A.
Other names: short protein forms S421R.
Identifiers: ClinVar variation 637692 (VCV000637692.9), dbSNP rs749343954, ClinGen allele CA6153588.